The following is an entry in ClinVar:

ClinVar aggregate classification (germline): Conflicting classifications of pathogenicity. Review status: criteria provided, conflicting classifications (1 of 4 stars). 4 submissions from 3 submitters: Uncertain significance (3); Likely benign (1). Last evaluated 2025-06-13.

Conditions:
Autosomal dominant nonsyndromic hearing loss 12. Also called: DEAFNESS, AUTOSOMAL DOMINANT 8. Identifiers: Orphanet 90635, MedGen C1832187, MONDO:0011102, OMIM 601543.
Autosomal recessive nonsyndromic hearing loss 21. Identifiers: Orphanet 90636, MedGen C1863655, MONDO:0011351, OMIM 603629.

Allele frequency attached by ClinVar (database versions not stated): TOPMed 0.00006; ESP Exome Variant Server 0.00008; gnomAD 0.00008 and 0.00009; ExAC 0.00010; gnomAD exomes 0.00010.
gnomAD v4.1: 144 of 1,614,064 alleles (0.0089%); highest among the groups gnomAD compares: Non-Finnish European, 0.012%; no homozygotes.

Submissions (4):

GeneDx
Classification: Uncertain significance. Last evaluated: 2025-06-13. Review status: criteria provided, single submitter. Criteria: GeneDx Variant Classification Process June 2021. Collection method: clinical testing. Allele origin: germline. Affected: yes.
Comment: In silico analysis suggests that this variant does not alter splicing; Has not been previously published as pathogenic or benign to our knowledge

Labcorp Genetics (formerly Invitae), Labcorp
Classification: Likely benign. Last evaluated: 2025-03-30. Review status: criteria provided, single submitter. Criteria: Invitae Variant Classification Sherloc (09022015). Collection method: clinical testing. Allele origin: germline.

Illumina Laboratory Services, Illumina
Classification: Uncertain significance for Autosomal recessive nonsyndromic hearing loss 21. Last evaluated: 2018-01-13. Review status: criteria provided, single submitter. Criteria: ICSL Variant Classification Criteria 13 December 2019. Collection method: clinical testing. Allele origin: germline.

Illumina Laboratory Services, Illumina
Classification: Uncertain significance for Autosomal dominant nonsyndromic hearing loss 12. Last evaluated: 2018-01-13. Review status: criteria provided, single submitter. Criteria: ICSL Variant Classification Criteria 13 December 2019. Collection method: clinical testing. Allele origin: germline.

NM_005422.4(TECTA):c.5046C>T (p.Ile1682=)

Genes: TBCEL-TECTA (TBCEL-TECTA readthrough; plus strand), TECTA (tectorin alpha; plus strand). Cytogenetic location: 11q23.3.
Variant type: single nucleotide variant.
Coding change: c.5046C>T on transcript NM_005422.4 (MANE Select); coding-DNA position 5046, C replaced by T.
Protein change: p.Ile1682=; no amino-acid change (isoleucine 1682 retained).
Molecular consequence: synonymous variant.
Genome position (GRCh38, 1-based): chr11:121,162,144, C>T. VCF-style: chr11-121162144-C-T. GRCh37 (hg19) VCF-style: chr11-121032853-C-T.
Identifiers: ClinVar variation 878823 (VCV000878823.14), dbSNP rs200367148, ClinGen allele CA6327645.